The following is an entry in ClinVar:

ClinVar aggregate classification (germline): Benign/Likely benign. Review status: criteria provided, multiple submitters, no conflicts (2 of 4 stars). 5 submissions from 5 submitters: Benign (2); Likely benign (3). Last evaluated 2026-02-04.

Allele frequency attached by ClinVar (database versions not stated): 1000 Genomes Project 0.00859; 1000 Genomes Project 30x 0.00937; ESP Exome Variant Server 0.01665; TOPMed 0.01847; gnomAD 0.02026 and 0.02096; gnomAD exomes 0.02236 and 0.02421; ExAC 0.02673.
gnomAD v4.1: 38,396 of 1,608,490 alleles (2.4%); highest among the groups gnomAD compares: Middle Eastern, 4.7%; 590 homozygotes.

Submissions (5):

Labcorp Genetics (formerly Invitae), Labcorp
Classification: Benign. Last evaluated: 2026-02-04. Review status: criteria provided, single submitter. Criteria: Invitae Variant Classification Sherloc (09022015). Collection method: clinical testing. Allele origin: germline.

Blueprint Genetics
Classification: Likely benign. Last evaluated: 2024-11-26. Review status: criteria provided, single submitter. Criteria: ACMG Guidelines, 2015. Collection method: clinical testing. Allele origin: germline.

Mayo Clinic Laboratories, Mayo Clinic
Classification: Benign. Last evaluated: 2022-04-26. Review status: criteria provided, single submitter. Criteria: ACMG Guidelines, 2015. Collection method: clinical testing. Allele origin: germline. Observed: 46 variant alleles.

GeneDx
Classification: Likely benign. Last evaluated: 2020-09-23. Review status: criteria provided, single submitter. Criteria: GeneDx Variant Classification Process June 2021. Collection method: clinical testing. Allele origin: germline. Affected: yes.

Breakthrough Genomics
Classification: Likely benign. Review status: criteria provided, single submitter. Criteria: ACMG Guidelines, 2015. Collection method: not provided. Allele origin: germline. Inheritance: Autosomal recessive inheritance. Affected: yes.

NM_176869.3(PPA2):c.64A>G (p.Thr22Ala)

Gene: PPA2 (inorganic pyrophosphatase 2; minus strand). Cytogenetic location: 4q24.
Variant type: single nucleotide variant.
Coding change: c.64A>G on transcript NM_176869.3 (MANE Select); coding-DNA position 64, A replaced by G.
Protein change: p.Thr22Ala; replaces threonine 22 with alanine.
Molecular consequence: missense variant.
Genome position (GRCh38, 1-based): chr4:105,473,987, T>C on the plus strand (A>G on the coding strand, the complement: PPA2 is on the minus strand). VCF-style: chr4-105473987-T-C. GRCh37 (hg19) VCF-style: chr4-106395144-T-C.
Other names: p.Thr22Ala; c.64A>G, p.Thr22Ala (NM_006903.4, NM_176866.2, NM_176867.3); short protein forms T22A.
Identifiers: ClinVar variation 684533 (VCV000684533.15), dbSNP rs35571699, ClinGen allele CA3032857.